The following is an entry in ClinVar:

ClinVar aggregate classification (germline): Likely benign (1 of 4 stars; one submission).

Conditions:
Peutz-Jeghers syndrome (PJS). Also called: POLYPOSIS, HAMARTOMATOUS INTESTINAL; POLYPS-AND-SPOTS SYNDROME; Peutz-Jeghers polyposis; Periorificial lentiginosis syndrome. Identifiers: Orphanet 2869, MedGen C0031269, MeSH D010580, MONDO:0008280, OMIM 175200.

Submission:

Myriad Genetics, Inc.
Classification: Likely benign for Peutz-Jeghers syndrome. Last evaluated: 2025-03-26. Review status: criteria provided, single submitter. Criteria: Myriad Autosomal Dominant, Autosomal Recessive and X-Linked Classification Criteria (2023). Collection method: clinical testing. Allele origin: unknown.
Comment: This variant is considered likely benign. This variant is intronic and is not expected to impact mRNA splicing.

NM_000455.5(STK11):c.598-15A>G

Gene: STK11 (serine/threonine kinase 11; plus strand). Cytogenetic location: 19p13.3.
Variant type: single nucleotide variant.
Coding change: c.598-15A>G on transcript NM_000455.5 (MANE Select); 15 bases into the intron before coding-DNA position 598, A replaced by G.
Molecular consequence: intron variant.
Genome position (GRCh38, 1-based): chr19:1,220,566, A>G. VCF-style: chr19-1220566-A-G. GRCh37 (hg19) VCF-style: chr19-1220565-A-G.
Other names: c.598-15A>G (NM_001407255.1).
Identifiers: ClinVar variation 3903446 (VCV003903446.1).